The following is an entry in ClinVar:

ClinVar aggregate classification (germline): Uncertain significance. Review status: criteria provided, multiple submitters, no conflicts (2 of 4 stars). 3 submissions from 3 submitters: Uncertain significance (3). Last evaluated 2025-12-11.

Conditions:
Cenani-Lenz syndactyly syndrome. Also called: CENANI SYNDACTYLISM; SYNDACTYLY, TYPE VII. Identifiers: Orphanet 3258, MedGen C1859309, MONDO:0008931, OMIM 212780.
Sclerosteosis 2 (SOST2). Identifiers: Orphanet 3152, MedGen C3280402, MONDO:0013679, OMIM 614305.
Congenital myasthenic syndrome 17. Identifiers: Orphanet 590, MedGen C4225377, MONDO:0014578, OMIM 616304.
Inborn genetic diseases. Identifiers: MedGen C0950123, MeSH D030342.

Allele frequency attached by ClinVar (database versions not stated): TOPMed 0.00012; 1000 Genomes Project 0.00060; gnomAD 0.00017; 1000 Genomes Project 30x 0.00047; ESP Exome Variant Server 0.00008; ExAC 0.00003; gnomAD exomes 0.00005.
gnomAD v4.1: 99 of 1,614,212 alleles (0.0061%); highest among the groups gnomAD compares: African/African-American, 0.073%; no homozygotes.

Submissions (3):

Ambry Genetics
Classification: Uncertain significance for Inborn genetic diseases. Last evaluated: 2025-12-11. Review status: criteria provided, single submitter. Criteria: Ambry Variant Classification Scheme 2023. Collection method: clinical testing. Allele origin: germline.

Fulgent Genetics
Classification: Uncertain significance for Cenani-Lenz syndactyly syndrome; Sclerosteosis 2; Congenital myasthenic syndrome 17. Last evaluated: 2024-04-05. Review status: criteria provided, single submitter. Criteria: ACMG Guidelines, 2015. Collection method: clinical testing. Allele origin: germline.

Labcorp Genetics (formerly Invitae), Labcorp
Classification: Uncertain significance for Cenani-Lenz syndactyly syndrome; Sclerosteosis 2; Congenital myasthenic syndrome 17. Last evaluated: 2022-08-23. Review status: criteria provided, single submitter. Criteria: Invitae Variant Classification Sherloc (09022015). Collection method: clinical testing. Allele origin: germline.
Comment: This sequence change replaces arginine, which is basic and polar, with cysteine, which is neutral and slightly polar, at codon 998 of the LRP4 protein (p.Arg998Cys). This variant is present in population databases (rs61749460, gnomAD 0.05%). This variant has not been reported in the literature in individuals affected with LRP4-related conditions. ClinVar contains an entry for this variant (Variation ID: 1516189). Algorithms developed to predict the effect of missense changes on protein structure and function are either unavailable or do not agree on the potential impact of this missense change (SIFT: "Deleterious"; PolyPhen-2: "Benign"; Align-GVGD: "Class C35"). In summary, the available evidence is currently insufficient to determine the role of this variant in disease. Therefore, it has been classified as a Variant of Uncertain Significance.

NM_002334.4(LRP4):c.2992C>T (p.Arg998Cys)

Gene: LRP4 (LDL receptor related protein 4; minus strand). Cytogenetic location: 11p11.2.
Variant type: single nucleotide variant.
Coding change: c.2992C>T on transcript NM_002334.4 (MANE Select); coding-DNA position 2992, C replaced by T.
Protein change: p.Arg998Cys; replaces arginine 998 with cysteine.
Molecular consequence: missense variant.
Genome position (GRCh38, 1-based): chr11:46,879,138, G>A on the plus strand (C>T on the coding strand, the complement: LRP4 is on the minus strand). VCF-style: chr11-46879138-G-A. GRCh37 (hg19) VCF-style: chr11-46900689-G-A.
Other names: c.2992C>T (NM_002334.3); short protein forms R998C.
Identifiers: ClinVar variation 1516189 (VCV001516189.6), dbSNP rs61749460, ClinGen allele CA5969740.
Genomic context (GRCh38, chr11:46,879,138, plus strand): 5'-GGCATAGGAGGGCCACGGAGAAGCCAATGCGAGCCAAGGGCTGCTCACCTGGGGGCCGGC[G>A]GCGGTGGAAGACATGGATGTCCATTAGGTTTTCCAGGTTCTCCTGCAGAGTCTCCCGGTC-3'
Protein context (NP_002325.2, residues 988-1008): NLMDIHVFHR[Arg998Cys]RPPVSTPCAM